The following is an entry in ClinVar:

ClinVar aggregate classification (germline): Uncertain significance. Review status: criteria provided, multiple submitters, no conflicts (2 of 4 stars). 2 submissions from 2 submitters: Uncertain significance (2). Last evaluated 2022-01-24.

Conditions:
Dilated cardiomyopathy 1W (CMD1W). Identifiers: Orphanet 154, MedGen C1969639, MONDO:0012667, OMIM 611407.

Allele frequency attached by ClinVar (database versions not stated): gnomAD 0.00001.
gnomAD v4.1: 13 of 1,614,108 alleles (0.00081%); highest among the groups gnomAD compares: African/African-American, 0.0013%; no homozygotes.

Submissions (2):

GeneDx
Classification: Uncertain significance. Last evaluated: 2022-01-24. Review status: criteria provided, single submitter. Criteria: GeneDx Variant Classification Process June 2021. Collection method: clinical testing. Allele origin: germline. Affected: yes.
Comment: Has not been previously published as pathogenic or benign to our knowledge; Not observed at significant frequency in large population cohorts (gnomAD); In silico analysis supports that this missense variant does not alter protein structure/function; Reported in ClinVar as a variant of uncertain significance (ClinVar Variant ID# 1053892)

Labcorp Genetics (formerly Invitae), Labcorp
Classification: Uncertain significance for Dilated cardiomyopathy 1W. Last evaluated: 2020-03-04. Review status: criteria provided, single submitter. Criteria: Invitae Variant Classification Sherloc (09022015). Collection method: clinical testing. Allele origin: germline.
Comment: In summary, the available evidence is currently insufficient to determine the role of this variant in disease. Therefore, it has been classified as a Variant of Uncertain Significance. Algorithms developed to predict the effect of missense changes on protein structure and function are either unavailable or do not agree on the potential impact of this missense change (SIFT: "Not Available"; PolyPhen-2: "Benign"; Align-GVGD: "Not Available"). This variant has not been reported in the literature in individuals with VCL-related conditions. This variant is not present in population databases (ExAC no frequency). This sequence change replaces glutamic acid with aspartic acid at codon 922 of the VCL protein (p.Glu922Asp). The glutamic acid residue is weakly conserved and there is a small physicochemical difference between glutamic acid and aspartic acid.

NM_014000.3(VCL):c.2766G>T (p.Glu922Asp)

Gene: VCL (vinculin; plus strand). Cytogenetic location: 10q22.2.
Variant type: single nucleotide variant.
Coding change: c.2766G>T on transcript NM_014000.3 (MANE Select); coding-DNA position 2766, G replaced by T.
Protein change: p.Glu922Asp; replaces glutamic acid 922 with aspartic acid.
Molecular consequence: missense variant. On other transcripts: intron variant (1).
Genome position (GRCh38, 1-based): chr10:74,111,929, G>T. VCF-style: chr10-74111929-G-T. GRCh37 (hg19) VCF-style: chr10-75871687-G-T.
Other names: c.2746-2255G>T (NM_003373.4); short protein forms E922D.
Identifiers: ClinVar variation 1053892 (VCV001053892.9), dbSNP rs1036173576, ClinGen allele CA209697698.